The following is an entry in ClinVar:

NM_002582.4(PARN):c.918+5G>A

Gene: PARN (poly(A)-specific ribonuclease; minus strand). Cytogenetic location: 16p13.12.
Variant type: single nucleotide variant.
Coding change: c.918+5G>A on transcript NM_002582.4 (MANE Select); 5 bases into the intron after coding-DNA position 918, G replaced by A.
Molecular consequence: intron variant.
Genome position (GRCh38, 1-based): chr16:14,593,296, C>T on the plus strand (G>A on the coding strand, the complement: PARN is on the minus strand). VCF-style: chr16-14593296-C-T. GRCh37 (hg19) VCF-style: chr16-14687153-C-T.
Other names: c.735+5G>A (NM_001134477.3); c.780+5G>A (NM_001242992.2).
Identifiers: ClinVar variation 3235940 (VCV003235940.1), dbSNP rs2507959298, ClinGen allele CA2631856631.
Genomic context (GRCh38, chr16:14,593,296, plus strand): 5'-TAATAATATTTTTTCAGATAAAAAGAATCCTGCTAATATTAAACACAGACCAACAGGTCA[C>T]TTACCGCAGGCAGAGGGCAGTAGAACTGATGAACTGTGTGCATGACGTCCAAGAGCATAT-3'

ClinVar aggregate classification (germline): Likely pathogenic (1 of 4 stars; one submission).

Conditions:
Dyskeratosis congenita, autosomal recessive 6 (DKCB6). Identifiers: MedGen C4225356, MONDO:0014600, OMIM 616353.

Submission:

New York Genome Center
Classification: Likely pathogenic for Dyskeratosis congenita, autosomal recessive 6. Last evaluated: 2023-02-13. Review status: criteria provided, single submitter. Criteria: NYGC Assertion Criteria 2020. Collection method: clinical testing. Allele origin: inherited. Observed: 1 homozygote. Study: PrenatalSEQ.
Comment: The homozygous c.918+5G>A splice-region variant identified in intron 13 (of 23) of the PARN gene has not been reported in affected individuals in the literature. The variant is absent from population databases (gnomAD v2.1.1 and v3.1.2, TOPMed Freeze 8), suggesting it is not a common benign variant in the populations represented in those databases. The variant affects an evolutionarily conserved nucleotide and is predicted by multiple in silico tools to alter the wild-type mRNA splicing (TRAP score = 0.934, SpliceAI score = 0.76). Transcriptome Sequencing was performed on messenger RNA (mRNA) extracted from a cultured amniotic fluid sample of this fetus. Targeted data analysis was performed to assess the splicing impact of germline PARN variant c.918+5G>A. This analysis showed that in 92% (46 of 50) of splice junction reads the canonical exon 13 of PARN gene was skipped (NM_002582.4:r.841_918del). Skipping of Exon 13 is predicted to result in an in-frame deletion of 26 amino acids [p.(281_306del)] in the ND2 region leading to deletion of a β sheet and an α helix in the PARN structure. A homozygous splice-site variant c.918+1G>A resulting predominantly in exon 13 skipping (and skipping of exon 13 & exon14 in some transcripts) has been reported in the literature in an individual affected with dyskeratosis congenita [PMID:25893599]. Based on the available evidence, the homozygous splice-region c.918+5G>A variant identified in the PARN gene is reclassified as Likely Pathogenic.